The following is an entry in ClinVar:

NM_021224.6(ZNF462):c.7159G>A (p.Glu2387Lys)

Genes: ZNF462 (zinc finger protein 462; plus strand), LOC340512 (uncharacterized LOC340512; minus strand). Cytogenetic location: 9q31.2.
Variant type: single nucleotide variant.
Coding change: c.7159G>A on transcript NM_021224.6 (MANE Select); coding-DNA position 7159, G replaced by A.
Protein change: p.Glu2387Lys; replaces glutamic acid 2387 with lysine.
Molecular consequence: missense variant.
Genome position (GRCh38, 1-based): chr9:107,003,396, G>A. VCF-style: chr9-107003396-G-A. GRCh37 (hg19) VCF-style: chr9-109765677-G-A.
Other names: c.4564G>A, p.Glu1522Lys (NM_001347997.2); short protein forms E1522K, E2387K.
Identifiers: ClinVar variation 2571996 (VCV002571996.1), dbSNP rs2539822923, ClinGen allele CA374661075.

ClinVar aggregate classification (germline): Uncertain significance (1 of 4 stars; one submission).

Submission:

GeneDx
Classification: Uncertain significance. Last evaluated: 2023-01-10. Review status: criteria provided, single submitter. Criteria: GeneDx Variant Classification Process June 2021. Collection method: clinical testing. Allele origin: germline. Affected: yes.
Comment: Not observed at significant frequency in large population cohorts (gnomAD); In silico analysis supports that this missense variant does not alter protein structure/function; Has not been previously published as pathogenic or benign to our knowledge